The following is an entry in ClinVar:

NM_003873.7(NRP1):c.249-9G>C

Gene: NRP1 (neuropilin 1; minus strand). Cytogenetic location: 10p11.22.
Variant type: single nucleotide variant.
Coding change: c.249-9G>C on transcript NM_003873.7 (MANE Select); 9 bases into the intron before coding-DNA position 249, G replaced by C.
Molecular consequence: intron variant.
Genome position (GRCh38, 1-based): chr10:33,270,865, C>G on the plus strand (G>C on the coding strand, the complement: NRP1 is on the minus strand). VCF-style: chr10-33270865-C-G. GRCh37 (hg19) VCF-style: chr10-33559793-C-G.
Other names: c.249-9G>C (NM_001024629.3, NM_001024628.3, NM_001244973.2 and 2 more transcripts).
Identifiers: ClinVar variation 3046350 (VCV003046350.2), dbSNP rs200521251, ClinGen allele CA5466999.
Genomic context (GRCh38, chr10:33,270,865, plus strand): 5'-CCTAAAATGTCCATTTTCATTTTCTCCATCGAAGACTTCCACGTAGTCATACCTAATACA[C>G]AAACATGGAAGAAAACATTAGGTTGGTGAGAAATGCCCTTTTAATTTCAATAATTTAGAC-3'

ClinVar aggregate classification (germline): Likely benign (0 of 4 stars; one submission).

Conditions:
NRP1-related disorder. Also called: NRP1-related condition.

Allele frequency attached by ClinVar (database versions not stated): ExAC 0.00008; ESP Exome Variant Server 0.00008; gnomAD 0.00019; 1000 Genomes Project 0.00020; TOPMed 0.00026; 1000 Genomes Project 30x 0.00031.
gnomAD v4.1: 53 of 1,578,322 alleles (0.0034%); highest among the groups gnomAD compares: African/African-American, 0.061%; no homozygotes.

Submission:

PreventionGenetics, part of Exact Sciences
Classification: Likely benign for NRP1-related condition. Last evaluated: 2021-06-09. Review status: no assertion criteria provided. Collection method: clinical testing. Allele origin: germline.
Comment: This variant is classified as likely benign based on ACMG/AMP sequence variant interpretation guidelines (Richards et al. 2015 PMID: 25741868, with internal and published modifications).